The following is an entry in ClinVar:

NM_000264.5(PTCH1):c.1376G>T (p.Arg459Leu)

Gene: PTCH1 (patched 1; minus strand). Cytogenetic location: 9q22.32.
Variant type: single nucleotide variant.
Coding change: c.1376G>T on transcript NM_000264.5 (MANE Select); coding-DNA position 1376, G replaced by T.
Protein change: p.Arg459Leu; replaces arginine 459 with leucine.
Molecular consequence: missense variant. On other transcripts: non-coding transcript variant (1), intron variant (1).
Genome position (GRCh38, 1-based): chr9:95,477,674, C>A on the plus strand (G>T on the coding strand, the complement: PTCH1 is on the minus strand). VCF-style: chr9-95477674-C-A. GRCh37 (hg19) VCF-style: chr9-98239956-C-A.
Other names: c.1178G>T, p.Arg393Leu (NM_001083602.3); c.1373G>T, p.Arg458Leu (NM_001083603.3); c.923G>T, p.Arg308Leu (NM_001083604.3, NM_001083605.3, NM_001083606.3 and 1 more transcripts); c.1347+381G>T (NM_001354918.2); short protein forms R459L, R308L, R458L, R393L.
Identifiers: ClinVar variation 3427336 (VCV003427336.4).

ClinVar aggregate classification (germline): Uncertain significance. Review status: criteria provided, multiple submitters, no conflicts (2 of 4 stars). 2 submissions from 2 submitters: Uncertain significance (2). Last evaluated 2026-04-23.

Conditions:
Hereditary cancer-predisposing syndrome. Also called: Neoplastic Syndromes, Hereditary; Tumor predisposition; Hereditary Cancer Syndrome; Hereditary neoplastic syndrome. Identifiers: Orphanet 140162, MedGen C0027672, MeSH D009386, MONDO:0015356.
Gorlin syndrome. Also called: Nevoid Basal Cell Carcinoma Syndrome; Basal cell nevus syndrome. Identifiers: Orphanet 377, MedGen C0004779, MONDO:0007187.

Submissions (2):

Ambry Genetics
Classification: Uncertain significance for Hereditary cancer-predisposing syndrome. Last evaluated: 2026-04-23. Review status: criteria provided, single submitter. Criteria: Ambry Variant Classification Scheme 2023. Collection method: clinical testing. Allele origin: germline.
Comment: The p.R459L variant (also known as c.1376G>T), located in coding exon 10 of the PTCH1 gene, results from a G to T substitution at nucleotide position 1376. The arginine at codon 459 is replaced by leucine, an amino acid with dissimilar properties. This amino acid position is conserved. In addition, this alteration is predicted to be deleterious by in silico analysis. Based on the available evidence, the clinical significance of this variant remains unclear.

Labcorp Genetics (formerly Invitae), Labcorp
Classification: Uncertain significance for Gorlin syndrome. Last evaluated: 2024-11-29. Review status: criteria provided, single submitter. Criteria: Invitae Variant Classification Sherloc (09022015). Collection method: clinical testing. Allele origin: germline.
Comment: This sequence change replaces arginine, which is basic and polar, with leucine, which is neutral and non-polar, at codon 459 of the PTCH1 protein (p.Arg459Leu). This variant is not present in population databases (gnomAD no frequency). This variant has not been reported in the literature in individuals affected with PTCH1-related conditions. Invitae Evidence Modeling of protein sequence and biophysical properties (such as structural, functional, and spatial information, amino acid conservation, physicochemical variation, residue mobility, and thermodynamic stability) has been performed for this missense variant. However, the output from this modeling did not meet the statistical confidence thresholds required to predict the impact of this variant on PTCH1 protein function. In summary, the available evidence is currently insufficient to determine the role of this variant in disease. Therefore, it has been classified as a Variant of Uncertain Significance.